The following is an entry in ClinVar:

ClinVar aggregate classification (germline): Benign/Likely benign. Review status: criteria provided, multiple submitters, no conflicts (2 of 4 stars). 4 submissions from 4 submitters: Benign (1); Likely benign (2). 1 of the submissions does not count toward it. Last evaluated 2026-01-22.

Conditions:
TUBGCP6-related disorder. Also called: TUBGCP6-related condition.

Allele frequency attached by ClinVar (database versions not stated): ESP Exome Variant Server 0.00015; gnomAD 0.00022 and 0.00048; TOPMed 0.00030; gnomAD exomes 0.00076 and 0.00086; 1000 Genomes Project 30x 0.00156; 1000 Genomes Project 0.00180.
gnomAD v4.1: 1,300 of 1,613,110 alleles (0.081%); highest among the groups gnomAD compares: East Asian, 2.6%; 17 homozygotes.

Submissions (4):

Labcorp Genetics (formerly Invitae), Labcorp
Classification: Benign. Last evaluated: 2026-01-22. Review status: criteria provided, single submitter. Criteria: Invitae Variant Classification Sherloc (09022015). Collection method: clinical testing. Allele origin: germline.

CeGaT Center for Human Genetics Tuebingen
Classification: Likely benign. Last evaluated: 2025-11-01. Review status: criteria provided, single submitter. Criteria: CeGaT Center For Human Genetics Tuebingen Variant Classification Criteria Version 2. Collection method: clinical testing. Allele origin: germline. Affected: yes. Observed: 1 variant allele.
Comment: TUBGCP6: BP4

Blueprint Genetics
Classification: Likely benign. Last evaluated: 2024-09-27. Review status: criteria provided, single submitter. Criteria: ACMG Guidelines, 2015. Collection method: clinical testing. Allele origin: germline.

PreventionGenetics, part of Exact Sciences
Classification: Benign for TUBGCP6-related condition. Last evaluated: 2019-08-29. Review status: no assertion criteria provided. Collection method: clinical testing. Allele origin: germline. Not counted in ClinVar's aggregate classification.
Comment: This variant is classified as benign based on ACMG/AMP sequence variant interpretation guidelines (Richards et al. 2015 PMID: 25741868, with internal and published modifications).

NM_020461.4(TUBGCP6):c.5050A>G (p.Ile1684Val)

Gene: TUBGCP6 (tubulin gamma complex component 6; minus strand). Cytogenetic location: 22q13.33.
Variant type: single nucleotide variant.
Coding change: c.5050A>G on transcript NM_020461.4 (MANE Select); coding-DNA position 5050, A replaced by G.
Protein change: p.Ile1684Val; replaces isoleucine 1684 with valine.
Molecular consequence: missense variant.
Genome position (GRCh38, 1-based): chr22:50,218,307, T>C on the plus strand (A>G on the coding strand, the complement: TUBGCP6 is on the minus strand). VCF-style: chr22-50218307-T-C. GRCh37 (hg19) VCF-style: chr22-50656736-T-C.
Other names: short protein forms I1684V.
Identifiers: ClinVar variation 731373 (VCV000731373.20), dbSNP rs146532216, ClinGen allele CA10307199.